The following is an entry in ClinVar:

NM_024577.4(SH3TC2):c.3593_3594inv (p.Pro1198Leu)

Gene: SH3TC2 (SH3 domain and tetratricopeptide repeats 2; minus strand). Cytogenetic location: 5q32.
Variant type: Inversion.
Coding change: c.3593_3594inv on transcript NM_024577.4 (MANE Select).
Protein change: p.Pro1198Leu; replaces proline 1198 with leucine.
Molecular consequence: missense variant.
Genome position: GRCh38 VCF-style: chr5-149006962-TG-CA. GRCh37 (hg19) VCF-style: chr5-148386525-TG-CA.
Other names: short protein forms P1198L.
Identifiers: ClinVar variation 1423498 (VCV001423498.6), ClinGen allele CA2573139257.

ClinVar aggregate classification (germline): Uncertain significance. Review status: criteria provided, multiple submitters, no conflicts (2 of 4 stars). 2 submissions from 2 submitters: Uncertain significance (2). Last evaluated 2023-05-22.

Conditions:
Inborn genetic diseases. Identifiers: MedGen C0950123, MeSH D030342.
Charcot-Marie-Tooth disease type 4. Also called: Charcot-Marie-Tooth disease, type IV; Charcot-Marie-Tooth, Type 4. Identifiers: Orphanet 64749, MedGen C4082197, MONDO:0018995.

Submissions (2):

Labcorp Genetics (formerly Invitae), Labcorp
Classification: Uncertain significance for Charcot-Marie-Tooth disease type 4. Last evaluated: 2023-05-22. Review status: criteria provided, single submitter. Criteria: Invitae Variant Classification Sherloc (09022015). Collection method: clinical testing. Allele origin: germline.
Comment: In summary, the available evidence is currently insufficient to determine the role of this variant in disease. Therefore, it has been classified as a Variant of Uncertain Significance. An algorithm developed to predict the effect of missense changes on protein structure and function (PolyPhen-2) suggests that this variant is likely to be disruptive. ClinVar contains an entry for this variant (Variation ID: 1423498). This variant has not been reported in the literature in individuals affected with SH3TC2-related conditions. This variant is present in population databases (no rsID available, gnomAD 0.0004%). This sequence change replaces proline with leucine at codon 1198 of the SH3TC2 protein (p.Pro1198Leu). The proline residue is highly conserved and there is a moderate physicochemical difference between proline and leucine.

Ambry Genetics
Classification: Uncertain significance for Inborn genetic diseases. Last evaluated: 2021-04-14. Review status: criteria provided, single submitter. Criteria: Ambry General Variant Classification Scheme_2022. Collection method: clinical testing. Allele origin: germline. Observed: 1 variant allele.
Comment: The c.3593_3594delCAinsTG variant (also known as p.P1198L), located in coding exon 16 of the SH3TC2 gene, results from an in-frame deletion of CA and insertion of TG at nucleotide positions 3593 to 3594. This results in the substitution of the proline residue for a leucine residue at codon 1198, an amino acid with similar properties. This multi-nucleotide variant was reported in one heterozygous individual in population-based cohorts in the Genome Aggregation Database (gnomAD). This amino acid position is not well conserved in available vertebrate species. In addition, the in silico prediction for this alteration is inconclusive (Choi Y et al. PLoS ONE. 2012; 7(10):e46688). Since supporting evidence is limited at this time, the clinical significance of this alteration remains unclear.